The following is an entry in ClinVar:

NM_000836.4(GRIN2D):c.2231C>T (p.Ala744Val)

Gene: GRIN2D (glutamate ionotropic receptor NMDA type subunit 2D; plus strand). Cytogenetic location: 19q13.33.
Variant type: single nucleotide variant.
Coding change: c.2231C>T on transcript NM_000836.4 (MANE Select); coding-DNA position 2231, C replaced by T.
Protein change: p.Ala744Val; replaces alanine 744 with valine.
Molecular consequence: missense variant.
Genome position (GRCh38, 1-based): chr19:48,421,924, C>T. VCF-style: chr19-48421924-C-T. GRCh37 (hg19) VCF-style: chr19-48925181-C-T.
Other names: short protein forms A744V.
Identifiers: ClinVar variation 2873268 (VCV002873268.3), dbSNP rs1971029732, ClinGen allele CA406664259.

ClinVar aggregate classification (germline): Uncertain significance (1 of 4 stars; one submission).

Allele frequency attached by ClinVar (database versions not stated): gnomAD exomes below 0.00001; TOPMed below 0.00001.
gnomAD v4.1: 3 of 1,614,054 alleles (0.00019%); highest among the groups gnomAD compares: Non-Finnish European, 0.00025%; no homozygotes.

Submission:

Labcorp Genetics (formerly Invitae), Labcorp
Classification: Uncertain significance. Last evaluated: 2023-06-03. Review status: criteria provided, single submitter. Criteria: Invitae Variant Classification Sherloc (09022015). Collection method: clinical testing. Allele origin: germline.
Comment: This variant has not been reported in the literature in individuals affected with GRIN2D-related conditions. This sequence change replaces alanine, which is neutral and non-polar, with valine, which is neutral and non-polar, at codon 744 of the GRIN2D protein (p.Ala744Val). This variant is not present in population databases (gnomAD no frequency). Advanced modeling of protein sequence and biophysical properties (such as structural, functional, and spatial information, amino acid conservation, physicochemical variation, residue mobility, and thermodynamic stability) has been performed at Invitae for this missense variant, however the output from this modeling did not meet the statistical confidence thresholds required to predict the impact of this variant on GRIN2D protein function. In summary, the available evidence is currently insufficient to determine the role of this variant in disease. Therefore, it has been classified as a Variant of Uncertain Significance.